The following is an entry in ClinVar:

ClinVar aggregate classification (germline): Benign. Review status: criteria provided, multiple submitters, no conflicts (2 of 4 stars). 2 submissions from 2 submitters: Benign (2). Last evaluated 2018-06-16.

Allele frequency attached by ClinVar (database versions not stated): gnomAD exomes 0.00386 and 0.00876; ExAC 0.01572; gnomAD 0.03343; TOPMed 0.03856; ESP Exome Variant Server 0.03876; 1000 Genomes Project 0.04073; 1000 Genomes Project 30x 0.04606.
gnomAD v4.1: 10,847 of 1,518,900 alleles (0.71%); highest among the groups gnomAD compares: African/African-American, 12%; 582 homozygotes.

Submissions (2):

GeneDx
Classification: Benign. Last evaluated: 2018-06-16. Review status: criteria provided, single submitter. Criteria: GeneDx Variant Classification (06012015). Collection method: clinical testing. Allele origin: germline. Affected: yes.
Comment: This variant is considered likely benign or benign based on one or more of the following criteria: it is a conservative change, it occurs at a poorly conserved position in the protein, it is predicted to be benign by multiple in silico algorithms, and/or has population frequency not consistent with disease.

Breakthrough Genomics
Classification: Benign. Review status: criteria provided, single submitter. Criteria: ACMG Guidelines, 2015. Collection method: not provided. Allele origin: germline. Inheritance: Autosomal dominant inheritance. Affected: yes.

NM_001134363.3(RBM20):c.3452-41G>C

Gene: RBM20 (RNA binding motif protein 20; plus strand). Cytogenetic location: 10q25.2.
Variant type: single nucleotide variant.
Coding change: c.3452-41G>C on transcript NM_001134363.3 (MANE Select); 41 bases into the intron before coding-DNA position 3452, G replaced by C.
Molecular consequence: intron variant.
Genome position (GRCh38, 1-based): chr10:110,831,020, G>C. VCF-style: chr10-110831020-G-C. GRCh37 (hg19) VCF-style: chr10-112590778-G-C.
Identifiers: ClinVar variation 675413 (VCV000675413.2), dbSNP rs74407586, ClinGen allele CA5688787.